The following is an entry in ClinVar:

NM_000489.6(ATRX):c.1525A>C (p.Thr509Pro)

Gene: ATRX (ATRX chromatin remodeler; minus strand). Cytogenetic location: Xq21.1.
Variant type: single nucleotide variant.
Coding change: c.1525A>C on transcript NM_000489.6 (MANE Select); coding-DNA position 1525, A replaced by C.
Protein change: p.Thr509Pro; replaces threonine 509 with proline.
Molecular consequence: missense variant.
Genome position (GRCh38, 1-based): chrX:77,683,731, T>G on the plus strand (A>C on the coding strand, the complement: ATRX is on the minus strand). VCF-style: chrX-77683731-T-G. GRCh37 (hg19) VCF-style: chrX-76939223-T-G.
Other names: c.1411A>C, p.Thr471Pro (NM_138270.5); short protein forms T471P, T509P.
Identifiers: ClinVar variation 2815773 (VCV002815773.3), dbSNP rs2148620518, ClinGen allele CA413717568.
Genomic context (GRCh38, chrX:77,683,731, plus strand): 5'-AAATGTCTTCTGGAACTGAGGAAGGAACAGACACAATATCCATGTCTAAATCTTCAGAAG[T>G]GTTGGCAGGTTCATATTGAGGTTCTTCTTTTCTATCAGATTTCTTATGTTCACCACCGGT-3'
Protein context (NP_000480.3, residues 499-519): KEEPQYEPAN[Thr509Pro]SEDLDMDIVS

ClinVar aggregate classification (germline): Uncertain significance (1 of 4 stars; one submission).

Conditions:
Alpha thalassemia-X-linked intellectual disability syndrome (ATRX). Also called: ALPHA-THALASSEMIA/MENTAL RETARDATION SYNDROME, X-LINKED; ATR, NONDELETION TYPE; ATR-X syndrome; Alpha thalassemia mental retardation syndrome, nondeletion type, X-linked; XLMR hypotonic face syndrome; X-linked alpha-thalassemia-mental retardation syndrome. Identifiers: Orphanet 847, MedGen C1845055, MONDO:0010519, OMIM 301040.

Submission:

Labcorp Genetics (formerly Invitae), Labcorp
Classification: Uncertain significance for Alpha thalassemia-X-linked intellectual disability syndrome. Last evaluated: 2022-11-23. Review status: criteria provided, single submitter. Criteria: Invitae Variant Classification Sherloc (09022015). Collection method: clinical testing. Allele origin: germline.
Comment: This sequence change replaces threonine, which is neutral and polar, with proline, which is neutral and non-polar, at codon 509 of the ATRX protein (p.Thr509Pro). This variant is not present in population databases (gnomAD no frequency). This variant has not been reported in the literature in individuals affected with ATRX-related conditions. Advanced modeling of protein sequence and biophysical properties (such as structural, functional, and spatial information, amino acid conservation, physicochemical variation, residue mobility, and thermodynamic stability) performed at Invitae indicates that this missense variant is not expected to disrupt ATRX protein function. In summary, the available evidence is currently insufficient to determine the role of this variant in disease. Therefore, it has been classified as a Variant of Uncertain Significance.